The following is an entry in ClinVar:

NM_006306.4(SMC1A):c.1136AAG[2] (p.Glu381del)

Gene: SMC1A (structural maintenance of chromosomes 1A; minus strand). Cytogenetic location: Xp11.22.
Variant type: Microsatellite.
Coding change: c.1136AAG[2] on transcript NM_006306.4 (MANE Select); two copies in a row of the 3-base unit AAG starting at c.1136; the reference has three copies in a row; one copy, 3 bases deleted.
Protein change: p.Glu381del; deletes glutamic acid 381.
Molecular consequence: inframe deletion.
Genome position (GRCh38, 1-based): chrX:53,411,871-53,411,873, CTT deleted on the plus strand (AAG on the coding strand, the reverse complement: SMC1A is on the minus strand); deleting any 3 consecutive bases within chrX:53,411,871-53,411,879 gives the same sequence; the position shown is the placement nearest the transcript's 3' end. VCF-style (leftmost placement, unchanged base first): chrX-53411870-GCTT-G. GRCh37 (hg19) VCF-style: chrX-53438820-GCTT-G.
Other names: c.1070AAG[2], p.Glu359del (NM_001281463.1); short protein forms E359del, E381del.
Identifiers: ClinVar variation 212265 (VCV000212265.11), dbSNP rs797045991, ClinGen allele CA277433.

ClinVar aggregate classification (germline): Conflicting classifications of pathogenicity. Review status: criteria provided, conflicting classifications (1 of 4 stars). 2 submissions from 2 submitters: Likely pathogenic (1); Uncertain significance (1). Last evaluated 2021-11-22.

Conditions:
Congenital muscular hypertrophy-cerebral syndrome (CDLS2). Also called: Cornelia de Lange syndrome 2; SMC1A-Related Cornelia de Lange Syndrome. Identifiers: Orphanet 199, MedGen C1802395, MONDO:0010370, OMIM 300590.

Submissions (2):

Labcorp Genetics (formerly Invitae), Labcorp
Classification: Uncertain significance for Congenital muscular hypertrophy-cerebral syndrome. Last evaluated: 2021-11-22. Review status: criteria provided, single submitter. Criteria: Invitae Variant Classification Sherloc (09022015). Collection method: clinical testing. Allele origin: germline.
Comment: In summary, the available evidence is currently insufficient to determine the role of this variant in disease. Therefore, it has been classified as a Variant of Uncertain Significance. Experimental studies and prediction algorithms are not available or were not evaluated, and the functional significance of this variant is currently unknown. This variant has not been reported in the literature in individuals affected with SMC1A-related conditions. This variant is not present in population databases (gnomAD no frequency). This variant, c.1142_1144del, results in the deletion of 1 amino acid(s) of the SMC1A protein (p.Glu381del), but otherwise preserves the integrity of the reading frame.

Genetic Services Laboratory, University of Chicago
Classification: Likely pathogenic for Cornelia de Lange syndrome 2. Last evaluated: 2013-02-08. Review status: criteria provided, single submitter. Criteria: ACMG Guidelines, 2007. Collection method: clinical testing. Allele origin: germline. Affected: yes.